The following is an entry in ClinVar:

ClinVar aggregate classification (germline): Uncertain significance (1 of 4 stars; one submission).

gnomAD v4.1: 5 of 1,612,902 alleles (0.00031%); highest among the groups gnomAD compares: South Asian, 0.0044%; no homozygotes.

Submission:

GeneDx
Classification: Uncertain significance. Last evaluated: 2024-06-10. Review status: criteria provided, single submitter. Criteria: GeneDx Variant Classification Process June 2021. Collection method: clinical testing. Allele origin: germline. Affected: yes.
Comment: Not observed at significant frequency in large population cohorts (gnomAD); In silico analysis supports that this missense variant has a deleterious effect on protein structure/function; Has not been previously published as pathogenic or benign to our knowledge

NM_012233.3(RAB3GAP1):c.2465C>G (p.Pro822Arg)

Gene: RAB3GAP1 (RAB3 GTPase activating protein catalytic subunit 1; plus strand). Cytogenetic location: 2q21.3.
Variant type: single nucleotide variant.
Coding change: c.2465C>G on transcript NM_012233.3 (MANE Select); coding-DNA position 2465, C replaced by G.
Protein change: p.Pro822Arg; replaces proline 822 with arginine.
Molecular consequence: missense variant.
Genome position (GRCh38, 1-based): chr2:135,162,826, C>G. VCF-style: chr2-135162826-C-G. GRCh37 (hg19) VCF-style: chr2-135920396-C-G.
Other names: c.2465C>G, p.Pro822Arg (NM_001172435.2); short protein forms P822R.
Identifiers: ClinVar variation 3390413 (VCV003390413.1).